The following is an entry in ClinVar:

ClinVar aggregate classification (germline): Uncertain significance (1 of 4 stars; one submission).

Allele frequency attached by ClinVar (database versions not stated): gnomAD exomes below 0.00001; TOPMed below 0.00001; ExAC 0.00001.

Submission:

Labcorp Genetics (formerly Invitae), Labcorp
Classification: Uncertain significance. Last evaluated: 2022-02-02. Review status: criteria provided, single submitter. Criteria: Invitae Variant Classification Sherloc (09022015). Collection method: clinical testing. Allele origin: germline.
Comment: This sequence change replaces proline, which is neutral and non-polar, with leucine, which is neutral and non-polar, at codon 94 of the EFL1 protein (p.Pro94Leu). This variant is present in population databases (rs749958852, gnomAD 0.003%). This variant has not been reported in the literature in individuals affected with EFL1-related conditions. Algorithms developed to predict the effect of missense changes on protein structure and function are either unavailable or do not agree on the potential impact of this missense change (SIFT: "Deleterious"; PolyPhen-2: "Probably Damaging"; Align-GVGD: "Class C0"). In summary, the available evidence is currently insufficient to determine the role of this variant in disease. Therefore, it has been classified as a Variant of Uncertain Significance.

NM_024580.6(EFL1):c.281C>T (p.Pro94Leu)

Gene: EFL1 (elongation factor like GTPase 1; minus strand). Cytogenetic location: 15q25.2.
Variant type: single nucleotide variant.
Coding change: c.281C>T on transcript NM_024580.6 (MANE Select); coding-DNA position 281, C replaced by T.
Protein change: p.Pro94Leu; replaces proline 94 with leucine.
Molecular consequence: missense variant. On other transcripts: 5 prime UTR variant (1), non-coding transcript variant (1).
Genome position (GRCh38, 1-based): chr15:82,241,367, G>A on the plus strand (C>T on the coding strand, the complement: EFL1 is on the minus strand). VCF-style: chr15-82241367-G-A. GRCh37 (hg19) VCF-style: chr15-82533708-G-A.
Other names: c.128C>T, p.Pro43Leu (NM_001040610.3); c.-509C>T (NM_001322844.2); c.281C>T, p.Pro94Leu (NM_001322845.2); short protein forms P94L, P43L.
Identifiers: ClinVar variation 1353757 (VCV001353757.8), dbSNP rs749958852, ClinGen allele CA7698318.
Genomic context (GRCh38, chr15:82,241,367, plus strand): 5'-ATGCATCCATCACAAATGCGAACAGCGGTTGATACTTCTGAGGAAAAGTCCACGTGTCCT[G>A]GAGAGTCTATCAGATTGATCAGGTACTCCTCATTACCTAAAATACAATTTGTAAACACAC-3'
Protein context (NP_078856.4, residues 84-104): EEYLINLIDS[Pro94Leu]GHVDFSSEVS